The following is an entry in ClinVar:

NM_000444.6(PHEX):c.349+2T>A

Gene: PHEX (phosphate regulating endopeptidase X-linked; plus strand). Cytogenetic location: Xp22.11.
Variant type: single nucleotide variant.
Coding change: c.349+2T>A on transcript NM_000444.6 (MANE Select); the canonical splice donor site of the intron after coding-DNA position 349, T replaced by A.
Molecular consequence: splice donor variant.
Genome position (GRCh38, 1-based): chrX:22,047,213, T>A. VCF-style: chrX-22047213-T-A. GRCh37 (hg19) VCF-style: chrX-22065331-T-A.
Other names: c.349+2T>A (NM_001282754.2).
Identifiers: ClinVar variation 3717324 (VCV003717324.2).

ClinVar aggregate classification (germline): Pathogenic (1 of 4 stars; one submission).

Submission:

Labcorp Genetics (formerly Invitae), Labcorp
Classification: Pathogenic. Last evaluated: 2024-09-15. Review status: criteria provided, single submitter. Criteria: Invitae Variant Classification Sherloc (09022015). Collection method: clinical testing. Allele origin: germline.
Comment: This sequence change affects a donor splice site in intron 3 of the PHEX gene. It is expected to disrupt RNA splicing. Variants that disrupt the donor or acceptor splice site typically lead to a loss of protein function (PMID: 16199547), and loss-of-function variants in PHEX are known to be pathogenic (PMID: 9097956, 9106524, 19219621). This variant is not present in population databases (gnomAD no frequency). Disruption of this splice site has been observed in individual(s) with hypophosphatemia (PMID: 19219621). Algorithms developed to predict the effect of sequence changes on RNA splicing suggest that this variant may disrupt the consensus splice site. For these reasons, this variant has been classified as Pathogenic.

Literature cited by the submitters: PubMed 16199547; PubMed 9097956; PubMed 9106524; PubMed 19219621.